The following is an entry in ClinVar:

NM_001376571.1(MADD):c.61A>G (p.Arg21Gly)

Gene: MADD (MAP kinase activating death domain; plus strand). Cytogenetic location: 11p11.2.
Variant type: single nucleotide variant.
Coding change: c.61A>G on transcript NM_001376571.1 (MANE Select); coding-DNA position 61, A replaced by G.
Protein change: p.Arg21Gly; replaces arginine 21 with glycine.
Molecular consequence: missense variant. On other transcripts: non-coding transcript variant (7), intron variant (13).
Genome position (GRCh38, 1-based): chr11:47,273,975, A>G. VCF-style: chr11-47273975-A-G. GRCh37 (hg19) VCF-style: chr11-47295526-A-G.
Other names: c.61A>G, p.Arg21Gly (NM_001135943.2, NM_001135944.2, NM_001376572.1 and 80 more transcripts); c.-142-588A>G (NM_001376648.1, NM_001376620.1, NM_001376626.1 and 9 more transcripts); c.-7-1924A>G (NM_001376663.1); short protein forms R21G.
Identifiers: ClinVar variation 3384295 (VCV003384295.2).

ClinVar aggregate classification (germline): Uncertain significance (1 of 4 stars; one submission).

gnomAD v4.1: 3 of 1,613,960 alleles (0.00019%); highest among the groups gnomAD compares: South Asian, 0.0011%; no homozygotes.

Submission:

GeneDx
Classification: Uncertain significance. Last evaluated: 2025-04-04. Review status: criteria provided, single submitter. Criteria: GeneDx Variant Classification Process June 2021. Collection method: clinical testing. Allele origin: germline.
Comment: Not observed at significant frequency in large population cohorts (gnomAD); In silico analysis supports that this missense variant has a deleterious effect on protein structure/function; In silico analysis supports that this missense variant has a deleterious effect on splicing; Has not been previously published as pathogenic or benign to our knowledge